The following is an entry in ClinVar:

ClinVar aggregate classification (germline): Conflicting classifications of pathogenicity. Review status: criteria provided, conflicting classifications (1 of 4 stars). 2 submissions from 2 submitters: Uncertain significance (1); Likely benign (1). Last evaluated 2024-12-05.

Conditions:
Inborn genetic diseases. Identifiers: MedGen C0950123, MeSH D030342.

Allele frequency attached by ClinVar (database versions not stated): TOPMed 0.00002.
gnomAD v4.1: 12 of 1,613,880 alleles (0.00074%); highest among the groups gnomAD compares: South Asian, 0.0044%; no homozygotes.

Submissions (2):

Ambry Genetics
Classification: Likely benign for Inborn genetic diseases. Last evaluated: 2024-12-05. Review status: criteria provided, single submitter. Criteria: Ambry Variant Classification Scheme 2023. Collection method: clinical testing. Allele origin: germline.

Labcorp Genetics (formerly Invitae), Labcorp
Classification: Uncertain significance. Last evaluated: 2022-04-13. Review status: criteria provided, single submitter. Criteria: Invitae Variant Classification Sherloc (09022015). Collection method: clinical testing. Allele origin: germline.
Comment: This sequence change replaces alanine, which is neutral and non-polar, with threonine, which is neutral and polar, at codon 840 of the ALPK1 protein (p.Ala840Thr). In summary, the available evidence is currently insufficient to determine the role of this variant in disease. Therefore, it has been classified as a Variant of Uncertain Significance. Algorithms developed to predict the effect of missense changes on protein structure and function output the following: SIFT: "Tolerated"; PolyPhen-2: "Benign"; Align-GVGD: "Class C0". The threonine amino acid residue is found in multiple mammalian species, which suggests that this missense change does not adversely affect protein function. This variant has not been reported in the literature in individuals affected with ALPK1-related conditions. This variant is present in population databases (no rsID available, gnomAD no frequency).

NM_025144.4(ALPK1):c.2518G>A (p.Ala840Thr)

Gene: ALPK1 (alpha kinase 1; plus strand). Cytogenetic location: 4q25.
Variant type: single nucleotide variant.
Coding change: c.2518G>A on transcript NM_025144.4 (MANE Select); coding-DNA position 2518, G replaced by A.
Protein change: p.Ala840Thr; replaces alanine 840 with threonine.
Molecular consequence: missense variant.
Genome position (GRCh38, 1-based): chr4:112,432,065, G>A. VCF-style: chr4-112432065-G-A. GRCh37 (hg19) VCF-style: chr4-113353221-G-A.
Other names: c.2518G>A (NM_025144.3); c.2518G>A, p.Ala840Thr (NM_001102406.2); c.2284G>A, p.Ala762Thr (NM_001253884.2); short protein forms A840T, A762T.
Identifiers: ClinVar variation 1909133 (VCV001909133.6), dbSNP rs891385943, ClinGen allele CA103763924.